The following is an entry in ClinVar:

ClinVar aggregate classification (germline): Likely benign. Review status: criteria provided, multiple submitters, no conflicts (2 of 4 stars). 2 submissions from 2 submitters: Likely benign (2). Last evaluated 2026-08-24.

Conditions:
SMPD1-related disorder. Also called: SMPD1-related condition.
Niemann-Pick disease, type A. Also called: SPHINGOMYELIN LIPIDOSIS; SPHINGOMYELINASE DEFICIENCY; Infantile Neurovisceral ASMD (Niemann-Pick Disease Type A; NPD-A). Identifiers: Orphanet 77292, MedGen C0268242, MONDO:0009756, OMIM 257200. Disease mechanism: loss of function.
Niemann-Pick disease, type B. Also called: Chronic Visceral ASMD (Niemann-Pick Disease Type B; NPD-B). Identifiers: Orphanet 77293, MedGen C0268243, MONDO:0011871, OMIM 607616. Disease mechanism: loss of function.

Allele frequency attached by ClinVar (database versions not stated): TOPMed below 0.00001; gnomAD 0.00001; gnomAD exomes 0.00004 and 0.00009; ExAC 0.00011; 1000 Genomes Project 30x 0.00016; 1000 Genomes Project 0.00020.

Submissions (2):

PreventionGenetics, part of Exact Sciences
Classification: Likely benign for SMPD1-related condition. Last evaluated: 2026-08-24. Review status: criteria provided, single submitter. Criteria: ACMG Guidelines, 2015. Collection method: clinical testing. Allele origin: germline.
Comment: This variant is classified as likely benign based on ACMG/AMP sequence variant interpretation guidelines (Richards et al. 2015 PMID: 25741868, with internal and published modifications).

Labcorp Genetics (formerly Invitae), Labcorp
Classification: Likely benign for Niemann-Pick disease, type B; Niemann-Pick disease, type A. Last evaluated: 2026-02-04. Review status: criteria provided, single submitter. Criteria: Invitae Variant Classification Sherloc (09022015). Collection method: clinical testing. Allele origin: germline.

NM_000543.5(SMPD1):c.1383T>C (p.His461=)

Gene: SMPD1 (sphingomyelin phosphodiesterase 1; plus strand). Cytogenetic location: 11p15.4.
Variant type: single nucleotide variant.
Coding change: c.1383T>C on transcript NM_000543.5 (MANE Select); coding-DNA position 1383, T replaced by C.
Protein change: p.His461=; no amino-acid change (histidine 461 retained).
Molecular consequence: synonymous variant. On other transcripts: non-coding transcript variant (2).
Genome position (GRCh38, 1-based): chr11:6,393,938, T>C. VCF-style: chr11-6393938-T-C. GRCh37 (hg19) VCF-style: chr11-6415168-T-C.
Other names: c.1380T>C, p.His460= (NM_001007593.3); c.1383T>C, p.His461= (NM_001318087.2); c.462T>C, p.His154= (NM_001318088.2); c.1251T>C, p.His417= (NM_001365135.2); c.1383T>C (NM_000543.4).
Identifiers: ClinVar variation 1603457 (VCV001603457.9), dbSNP rs570284983, ClinGen allele CA5852887.